The following is an entry in ClinVar:

NM_001126108.2(SLC12A3):c.157del (p.Met53fs)

Gene: SLC12A3 (solute carrier family 12 member 3; plus strand). Cytogenetic location: 16q13.
Variant type: Deletion.
Coding change: c.157del on transcript NM_001126108.2 (MANE Select); coding-DNA position 157, one base deleted (A; older notation c.157delA).
Protein change: p.Met53fs; shifts the reading frame from methionine 53.
Molecular consequence: frameshift variant.
Genome position (GRCh38, 1-based): chr16:56,865,392, A deleted. VCF-style (leftmost placement, unchanged base first): chr16-56865391-CA-C. GRCh37 (hg19) VCF-style: chr16-56899303-CA-C.
Other names: c.157del, p.Met53fs (NM_000339.3, NM_001126107.2); short protein forms M53fs.
Identifiers: ClinVar variation 1456538 (VCV001456538.7), dbSNP rs2144678137, ClinGen allele CA2573152443.

ClinVar aggregate classification (germline): Pathogenic/Likely pathogenic. Review status: criteria provided, multiple submitters, no conflicts (2 of 4 stars). 2 submissions from 2 submitters: Pathogenic (1); Likely pathogenic (1). Last evaluated 2024-06-18.

Conditions:
Familial hypokalemia-hypomagnesemia (GTLMNS). Also called: HYPOMAGNESEMIA-HYPOKALEMIA, PRIMARY RENOTUBULAR, WITH HYPOCALCIURIA; POTASSIUM AND MAGNESIUM DEPLETION; gitelman syndrome. Identifiers: Orphanet 358, MedGen C0268450, MONDO:0009904, OMIM 263800.

Submissions (2):

Fulgent Genetics
Classification: Likely pathogenic for Familial hypokalemia-hypomagnesemia. Last evaluated: 2024-06-18. Review status: criteria provided, single submitter. Criteria: ACMG Guidelines, 2015. Collection method: clinical testing. Allele origin: germline.

Labcorp Genetics (formerly Invitae), Labcorp
Classification: Pathogenic. Last evaluated: 2021-04-04. Review status: criteria provided, single submitter. Criteria: Invitae Variant Classification Sherloc (09022015). Collection method: clinical testing. Allele origin: germline.
Comment: For these reasons, this variant has been classified as Pathogenic. This variant has not been reported in the literature in individuals with SLC12A3-related conditions. This variant is not present in population databases (ExAC no frequency). This sequence change creates a premature translational stop signal (p.Met53Cysfs*61) in the SLC12A3 gene. It is expected to result in an absent or disrupted protein product. Loss-of-function variants in SLC12A3 are known to be pathogenic (PMID: 20848653, 22009145, 25841442).

Literature cited by the submitters: PubMed 20848653 (cited by Labcorp Genetics (formerly Invitae), Labcorp); PubMed 22009145 (cited by Labcorp Genetics (formerly Invitae), Labcorp); PubMed 25841442 (cited by Labcorp Genetics (formerly Invitae), Labcorp).